The following is an entry in ClinVar:

ClinVar aggregate classification (germline): Uncertain significance (1 of 4 stars; one submission).

Conditions:
Peroxisome biogenesis disorder, complementation group K (CGK). Identifiers: MedGen C1866257, MONDO:0800365.

Submission:

Labcorp Genetics (formerly Invitae), Labcorp
Classification: Uncertain significance for Peroxisome biogenesis disorder, complementation group K. Last evaluated: 2022-02-15. Review status: criteria provided, single submitter. Criteria: Invitae Variant Classification Sherloc (09022015). Collection method: clinical testing. Allele origin: germline.
Comment: This sequence change replaces aspartic acid, which is acidic and polar, with tyrosine, which is neutral and polar, at codon 322 of the PEX14 protein (p.Asp322Tyr). This variant is not present in population databases (gnomAD no frequency). This variant has not been reported in the literature in individuals affected with PEX14-related conditions. Algorithms developed to predict the effect of missense changes on protein structure and function are either unavailable or do not agree on the potential impact of this missense change (SIFT: "Deleterious"; PolyPhen-2: "Benign"; Align-GVGD: "Class C0"). In summary, the available evidence is currently insufficient to determine the role of this variant in disease. Therefore, it has been classified as a Variant of Uncertain Significance.

NM_004565.3(PEX14):c.964G>T (p.Asp322Tyr)

Gene: PEX14 (peroxisomal biogenesis factor 14; plus strand). Cytogenetic location: 1p36.22.
Variant type: single nucleotide variant.
Coding change: c.964G>T on transcript NM_004565.3 (MANE Select); coding-DNA position 964, G replaced by T.
Protein change: p.Asp322Tyr; replaces aspartic acid 322 with tyrosine.
Molecular consequence: missense variant.
Genome position (GRCh38, 1-based): chr1:10,629,817, G>T. VCF-style: chr1-10629817-G-T. GRCh37 (hg19) VCF-style: chr1-10689874-G-T.
Other names: short protein forms D322Y.
Identifiers: ClinVar variation 1971908 (VCV001971908.2), dbSNP rs1324926352, ClinGen allele CA338339162.